The following is an entry in ClinVar:

NM_000388.4(CASR):c.2054G>A (p.Gly685Asp)

Gene: CASR (calcium sensing receptor; plus strand). Cytogenetic location: 3q21.1.
Variant type: single nucleotide variant.
Coding change: c.2054G>A on transcript NM_000388.4 (MANE Select); coding-DNA position 2054, G replaced by A.
Protein change: p.Gly685Asp; replaces glycine 685 with aspartic acid.
Molecular consequence: missense variant.
Genome position (GRCh38, 1-based): chr3:122,284,008, G>A. VCF-style: chr3-122284008-G-A. GRCh37 (hg19) VCF-style: chr3-122002855-G-A.
Other names: c.2084G>A, p.Gly695Asp (NM_001178065.2); c.2054G>A (NM_000388.3); short protein forms G685D, G695D.
Identifiers: ClinVar variation 1803241 (VCV001803241.6), dbSNP rs1576877377, ClinGen allele CA354158391.

ClinVar aggregate classification (germline): Uncertain significance. Review status: criteria provided, multiple submitters, no conflicts (2 of 4 stars). 3 submissions from 3 submitters: Uncertain significance (3). Last evaluated 2022-11-20.

Conditions:
Autosomal dominant hypocalcemia 1 (HYPOC1). Also called: HYPOCALCEMIA, FAMILIAL. Identifiers: MedGen C3715128, MONDO:0011013, OMIM 601198.
Familial hypocalciuric hypercalcemia (FHH). Also called: Familial benign hypercalcemia. Identifiers: Orphanet 405, MedGen C1809471, MONDO:0018458.

Submissions (3):

Labcorp Genetics (formerly Invitae), Labcorp
Classification: Uncertain significance for Familial hypocalciuric hypercalcemia; Autosomal dominant hypocalcemia 1. Last evaluated: 2022-11-20. Review status: criteria provided, single submitter. Criteria: Invitae Variant Classification Sherloc (09022015). Collection method: clinical testing. Allele origin: germline.
Comment: In summary, the available evidence is currently insufficient to determine the role of this variant in disease. Therefore, it has been classified as a Variant of Uncertain Significance. Algorithms developed to predict the effect of missense changes on protein structure and function (SIFT, PolyPhen-2, Align-GVGD) all suggest that this variant is likely to be disruptive. This variant has not been reported in the literature in individuals affected with CASR-related conditions. This variant is not present in population databases (gnomAD no frequency). This sequence change replaces glycine, which is neutral and non-polar, with aspartic acid, which is acidic and polar, at codon 685 of the CASR protein (p.Gly685Asp).

Genetics and Molecular Pathology, SA Pathology
Classification: Uncertain significance for Autosomal dominant hypocalcemia 1. Last evaluated: 2022-04-08. Review status: criteria provided, single submitter. Criteria: ACMG Guidelines, 2015. Collection method: clinical testing. Allele origin: germline. Inheritance: Autosomal dominant inheritance. Affected: yes.

Athena Diagnostics
Classification: Uncertain significance. Last evaluated: 2021-07-22. Review status: criteria provided, single submitter. Criteria: Athena Diagnostics Criteria. Collection method: clinical testing. Allele origin: unknown.